The following is an entry in ClinVar:

NM_001365276.2(TNXB):c.12180C>G (p.Cys4060Trp)

Genes: TNXB (tenascin XB; minus strand), LOC106780803 (tenascin XB recombination region; plus strand). Cytogenetic location: 6p21.33.
Variant type: single nucleotide variant.
Coding change: c.12180C>G on transcript NM_001365276.2 (MANE Select); coding-DNA position 12180, C replaced by G.
Protein change: p.Cys4060Trp; replaces cysteine 4060 with tryptophan.
Molecular consequence: missense variant.
Genome position (GRCh38, 1-based): chr6:32,042,485, G>C on the plus strand (C>G on the coding strand, the complement: TNXB is on the minus strand). VCF-style: chr6-32042485-G-C. GRCh37 (hg19) VCF-style: chr6-32010262-G-C.
Other names: p.Cys4058Trp; c.12174C>G, p.Cys4058Trp (NM_019105.8); c.1467C>G, p.Cys489Trp (NM_032470.4); short protein forms C4058W, C489W, C4060W.
Identifiers: ClinVar variation 190374 (VCV000190374.29), dbSNP rs56345590, ClinGen allele CA203993.

ClinVar aggregate classification (germline): Conflicting classifications of pathogenicity. Review status: criteria provided, conflicting classifications (1 of 4 stars). 8 submissions from 8 submitters: Likely pathogenic (3); Uncertain significance (4). 1 of the submissions does not count toward it. Last evaluated 2026-06-17.

Conditions:
Ehlers-Danlos syndrome due to tenascin-X deficiency (EDSCLL1). Also called: EDS DUE TO TNX DEFICIENCY; EHLERS-DANLOS SYNDROME, CLASSIC-LIKE; Ehlers-Danlos syndrome, classic-like, 1; TNXB-Related Classical-Like Ehlers-Danlos Syndrome; TNX DEFICIENCY. Identifiers: Orphanet 230839, MedGen C1848029, MONDO:0011670, OMIM 606408.
Vesicoureteral reflux 8 (VUR8). Identifiers: Orphanet 289365, MedGen C4014831, MONDO:0014422, OMIM 615963.
TNXB-related disorder. Also called: TNXB-related condition.

Allele frequency attached by ClinVar (database versions not stated): ExAC 0.00003; gnomAD 0.00010; 1000 Genomes Project 30x 0.00016.

Submissions (8):

Institute of Human Genetics, University of Leipzig Medical Center
Classification: Likely pathogenic for Ehlers-Danlos syndrome due to tenascin-X deficiency. Last evaluated: 2026-06-17. Review status: criteria provided, single submitter. Criteria: ACMG Guidelines, 2015. Collection method: clinical testing. Allele origin: unknown. Inheritance: Autosomal recessive inheritance. Affected: yes.
Comment: Criteria applied: PM2,PM3_STR,PP2

Mayo Clinic Laboratories, Mayo Clinic
Classification: Likely pathogenic. Last evaluated: 2025-08-25. Review status: criteria provided, single submitter. Criteria: ACMG Guidelines, 2015. Collection method: clinical testing. Allele origin: germline. Observed: 5 variant alleles.
Comment: PM1, PS4

GeneDx
Classification: Uncertain significance. Last evaluated: 2025-06-25. Review status: criteria provided, single submitter. Criteria: GeneDx Variant Classification Process June 2021. Collection method: clinical testing. Allele origin: germline. Affected: yes.
Comment: In silico analysis supports that this missense variant has a deleterious effect on protein structure/function; Identified previously in conjunction with a fusion event involving TNXB and TNXA in individuals with a phenotype of congenital adrenal hyperplasia and hypermobile Ehlers-Danlos syndrome (Morissette et al., 2015; Demirdas et al., 2017); This variant is associated with the following publications: (PMID: 26075496, 31141158, 32572181, 31229653, 27582382, 33482002, 27297501, 35128805, 31775249, 35807105, 37712068, 38075167, 39575462)

Dasa
Classification: Uncertain significance. Last evaluated: 2025-04-30. Review status: criteria provided, single submitter. Criteria: DASA Assertion Criteria. Collection method: clinical testing. Allele origin: germline.
Comment: NM_001365276.2(TNXB):c.12180C>G (p.Cys4060Trp) is a missense variant that results in the substitution of cysteine with tryptophan. This variant has been recurrently observed in individuals with TNXB-related disorders (PMID: 33482002; PMID: 32572181; PMID: 31141158; PMID: 31229653). Also, this variant is rare in population databases. The currently available literature and clinical evidence are not sufficient to establish a definitive association between this variant and the reported condition. Therefore, this variant is classified as a variant of uncertain significance.

Fulgent Genetics
Classification: Likely pathogenic for Ehlers-Danlos syndrome due to tenascin-X deficiency; Vesicoureteral reflux 8. Last evaluated: 2024-05-03. Review status: criteria provided, single submitter. Criteria: ACMG Guidelines, 2015. Collection method: clinical testing. Allele origin: germline.

CeGaT Center for Human Genetics Tuebingen
Classification: Uncertain significance. Last evaluated: 2024-05-01. Review status: criteria provided, single submitter. Criteria: CeGaT Center For Human Genetics Tuebingen Variant Classification Criteria Version 2. Collection method: clinical testing. Allele origin: germline. Affected: yes. Observed: 1 variant allele.
Comment: TNXB: PP3

Pediatric Services, National Institutes of Health, Clinical Center
Classification: Uncertain significance for Ehlers-Danlos syndrome due to tenascin-X deficiency. Last evaluated: 2015-01-01. Review status: criteria provided, single submitter. Criteria: ACMG Guidelines, 2015. Collection method: research. Allele origin: germline. Affected: yes.

PreventionGenetics, part of Exact Sciences
Classification: Uncertain significance for TNXB-related condition. Last evaluated: 2024-05-14. Review status: no assertion criteria provided. Collection method: clinical testing. Allele origin: germline. Not counted in ClinVar's aggregate classification.
Comment: The TNXB c.12174C>G variant is predicted to result in the amino acid substitution p.Cys4058Trp. This variant is reported in 0.0055% of alleles in individuals of European descent in gnomAD, however this variant falls within a highly paralogous region and allele frequency data should be interpreted with caution. Likely originated from the pseudogene TNXA, this variant has been reported in TNXB exon 40 by itself or with the pseudogene-derived 120bp deletion spanning exon 35/intron 35 due to a rearrangement event (unequal crossover or gene conversion). Located closer to the CYP21A2 gene (which is in tandem 3’ to 3’ with TNXB) in the RCCX locus, this variant alone (i.e. not with the 120bp deletion) can represent a different chimera TNXA/TNXB gene (Morissette et al. 2015. PubMed ID: 26075496; Chen et al. 2016. PubMed ID: 27297501; Miller and Merke. 2018. PubMed ID: 29734195). These studies suggest that this variant could be pathogenic. At this time, the clinical significance of this variant is uncertain due to the absence of conclusive functional and genetic evidence.

Literature cited by the submitters: PubMed 26075496 (cited by Mayo Clinic Laboratories, Mayo Clinic and Pediatric Services, National Institutes of Health, Clinical Center); PubMed 27582382 (cited by Mayo Clinic Laboratories, Mayo Clinic); PubMed 31141158 (cited by Mayo Clinic Laboratories, Mayo Clinic and Dasa); PubMed 31229653 (cited by Mayo Clinic Laboratories, Mayo Clinic and Dasa); PubMed 32572181 (cited by Mayo Clinic Laboratories, Mayo Clinic and Dasa); PubMed 33482002 (cited by Mayo Clinic Laboratories, Mayo Clinic and Dasa).